The following is an entry in ClinVar:

ClinVar aggregate classification (germline): Uncertain significance. Review status: criteria provided, multiple submitters, no conflicts (2 of 4 stars). 3 submissions from 3 submitters: Uncertain significance (2). 1 of the submissions does not count toward it. Last evaluated 2025-04-25.

Conditions:
Hereditary cancer-predisposing syndrome. Also called: Neoplastic Syndromes, Hereditary; Tumor predisposition; Hereditary Cancer Syndrome; Hereditary neoplastic syndrome. Identifiers: Orphanet 140162, MedGen C0027672, MeSH D009386, MONDO:0015356.
Bloom syndrome (BLM). Also called: Bloom-Torre-Machacek syndrome. Identifiers: Orphanet 125, MedGen C0005859, MONDO:0008876, OMIM 210900.

Submissions (3):

Ambry Genetics
Classification: Uncertain significance for Hereditary cancer-predisposing syndrome. Last evaluated: 2025-04-25. Review status: criteria provided, single submitter. Criteria: Ambry Variant Classification Scheme 2023. Collection method: clinical testing. Allele origin: germline.
Comment: The p.I570T variant (also known as c.1709T>C), located in coding exon 6 of the BLM gene, results from a T to C substitution at nucleotide position 1709. The isoleucine at codon 570 is replaced by threonine, an amino acid with similar properties. This amino acid position is not well conserved in available vertebrate species. In addition, this alteration is predicted to be tolerated by in silico analysis. Since supporting evidence is limited at this time, the clinical significance of this alteration remains unclear.

Labcorp Genetics (formerly Invitae), Labcorp
Classification: Uncertain significance for Bloom syndrome. Last evaluated: 2024-03-02. Review status: criteria provided, single submitter. Criteria: Invitae Variant Classification Sherloc (09022015). Collection method: clinical testing. Allele origin: germline.
Comment: This sequence change replaces isoleucine, which is neutral and non-polar, with threonine, which is neutral and polar, at codon 570 of the BLM protein (p.Ile570Thr). This variant is not present in population databases (gnomAD no frequency). This variant has not been reported in the literature in individuals affected with BLM-related conditions. ClinVar contains an entry for this variant (Variation ID: 819902). Advanced modeling of protein sequence and biophysical properties (such as structural, functional, and spatial information, amino acid conservation, physicochemical variation, residue mobility, and thermodynamic stability) performed at Invitae indicates that this missense variant is not expected to disrupt BLM protein function with a negative predictive value of 80%. In summary, the available evidence is currently insufficient to determine the role of this variant in disease. Therefore, it has been classified as a Variant of Uncertain Significance.

Natera, Inc.
Classification: Uncertain significance for Bloom syndrome. Last evaluated: 2020-09-16. Review status: no assertion criteria provided. Collection method: clinical testing. Allele origin: germline. Not counted in ClinVar's aggregate classification.

NM_000057.4(BLM):c.1709T>C (p.Ile570Thr)

Gene: BLM (BLM RecQ like helicase; plus strand). Cytogenetic location: 15q26.1.
Variant type: single nucleotide variant.
Coding change: c.1709T>C on transcript NM_000057.4 (MANE Select); coding-DNA position 1709, T replaced by C.
Protein change: p.Ile570Thr; replaces isoleucine 570 with threonine.
Molecular consequence: missense variant.
Genome position (GRCh38, 1-based): chr15:90,761,082, T>C. VCF-style: chr15-90761082-T-C. GRCh37 (hg19) VCF-style: chr15-91304312-T-C.
Other names: c.1709T>C, p.Ile570Thr (NM_001287246.2, NM_001287247.2); c.584T>C, p.Ile195Thr (NM_001287248.2); short protein forms I195T, I570T.
Identifiers: ClinVar variation 819902 (VCV000819902.12), dbSNP rs1567041376, ClinGen allele CA393843677.